The following is an entry in ClinVar:

ClinVar aggregate classification (germline): Uncertain significance (1 of 4 stars; one submission).

Submission:

Labcorp Genetics (formerly Invitae), Labcorp
Classification: Uncertain significance. Last evaluated: 2025-01-06. Review status: criteria provided, single submitter. Criteria: Invitae Variant Classification Sherloc (09022015). Collection method: clinical testing. Allele origin: germline.
Comment: This sequence change replaces glycine, which is neutral and non-polar, with glutamic acid, which is acidic and polar, at codon 1688 of the LRP2 protein (p.Gly1688Glu). This variant is not present in population databases (gnomAD no frequency). This variant has not been reported in the literature in individuals affected with LRP2-related conditions. ClinVar contains an entry for this variant (Variation ID: 2101536). Invitae Evidence Modeling of protein sequence and biophysical properties (such as structural, functional, and spatial information, amino acid conservation, physicochemical variation, residue mobility, and thermodynamic stability) indicates that this missense variant is expected to disrupt LRP2 protein function with a positive predictive value of 95%. In summary, the available evidence is currently insufficient to determine the role of this variant in disease. Therefore, it has been classified as a Variant of Uncertain Significance.

NM_004525.3(LRP2):c.5063G>A (p.Gly1688Glu)

Gene: LRP2 (LDL receptor related protein 2; minus strand). Cytogenetic location: 2q31.1.
Variant type: single nucleotide variant.
Coding change: c.5063G>A on transcript NM_004525.3 (MANE Select); coding-DNA position 5063, G replaced by A.
Protein change: p.Gly1688Glu; replaces glycine 1688 with glutamic acid.
Molecular consequence: missense variant.
Genome position (GRCh38, 1-based): chr2:169,233,446, C>T on the plus strand (G>A on the coding strand, the complement: LRP2 is on the minus strand). VCF-style: chr2-169233446-C-T. GRCh37 (hg19) VCF-style: chr2-170089956-C-T.
Other names: short protein forms G1688E.
Identifiers: ClinVar variation 2101536 (VCV002101536.4), dbSNP rs2545868368, ClinGen allele CA349140978.